The following is an entry in ClinVar:

ClinVar aggregate classification (germline): Uncertain significance (1 of 4 stars; one submission).

gnomAD v4.1: 11 of 1,613,450 alleles (0.00068%); highest among the groups gnomAD compares: Non-Finnish European, 0.00093%; no homozygotes.

Submission:

GeneDx
Classification: Uncertain significance. Last evaluated: 2026-01-27. Review status: criteria provided, single submitter. Criteria: GeneDx Variant Classification Process June 2021. Collection method: clinical testing. Allele origin: germline.
Comment: Not observed at significant frequency in large population cohorts (gnomAD); In silico analysis suggests that this missense variant does not alter protein structure/function; Has not been previously published as pathogenic or benign to our knowledge

NM_000170.3(GLDC):c.439A>G (p.Ile147Val)

Gene: GLDC (glycine decarboxylase; minus strand). Cytogenetic location: 9p24.1.
Variant type: single nucleotide variant.
Coding change: c.439A>G on transcript NM_000170.3 (MANE Select); coding-DNA position 439, A replaced by G.
Protein change: p.Ile147Val; replaces isoleucine 147 with valine.
Molecular consequence: missense variant.
Genome position (GRCh38, 1-based): chr9:6,620,215, T>C on the plus strand (A>G on the coding strand, the complement: GLDC is on the minus strand). VCF-style: chr9-6620215-T-C. GRCh37 (hg19) VCF-style: chr9-6620215-T-C.
Other names: short protein forms I147V.
Identifiers: ClinVar variation 4887893 (VCV004887893.1).